The following is an entry in ClinVar:

NM_003482.4(KMT2D):c.13644C>T (p.Ser4548=)

Gene: KMT2D (lysine methyltransferase 2D; minus strand). Cytogenetic location: 12q13.12.
Variant type: single nucleotide variant.
Coding change: c.13644C>T on transcript NM_003482.4 (MANE Select); coding-DNA position 13644, C replaced by T.
Protein change: p.Ser4548=; no amino-acid change (serine 4548 retained).
Molecular consequence: synonymous variant.
Genome position (GRCh38, 1-based): chr12:49,030,920, G>A on the plus strand (C>T on the coding strand, the complement: KMT2D is on the minus strand). VCF-style: chr12-49030920-G-A. GRCh37 (hg19) VCF-style: chr12-49424703-G-A.
Identifiers: ClinVar variation 94167 (VCV000094167.64), dbSNP rs201119371, ClinGen allele CA147671.

ClinVar aggregate classification (germline): Benign/Likely benign. Review status: criteria provided, multiple submitters, no conflicts (2 of 4 stars). 7 submissions from 7 submitters: Benign (6); Likely benign (1). Last evaluated 2026-07-01.

Conditions:
Kabuki syndrome. Also called: NIIKAWA-KUROKI SYNDROME; Kabuki make-up syndrome. Identifiers: Orphanet 2322, MedGen C0796004, MONDO:0016512.

Allele frequency attached by ClinVar (database versions not stated): 1000 Genomes Project 0.00100; 1000 Genomes Project 30x 0.00125; TOPMed 0.00288; gnomAD 0.00297; gnomAD exomes 0.00358; ESP Exome Variant Server 0.00424; ExAC 0.00431.
gnomAD v4.1: 7,116 of 1,613,836 alleles (0.44%); highest among the groups gnomAD compares: South Asian, 0.7%; 27 homozygotes.

Submissions (24):

CeGaT Center for Human Genetics Tuebingen
Classification: Benign. Last evaluated: 2026-07-01. Review status: criteria provided, single submitter. Criteria: CeGaT Center For Human Genetics Tuebingen Variant Classification Criteria Version 2. Collection method: clinical testing. Allele origin: germline. Affected: yes. Observed: 42 variant alleles.
Comment: KMT2D: BP4, BP7, BS1, BS2

Labcorp Genetics (formerly Invitae), Labcorp
Classification: Benign for Kabuki syndrome. Last evaluated: 2026-01-27. Review status: criteria provided, single submitter. Criteria: Invitae Variant Classification Sherloc (09022015). Collection method: clinical testing. Allele origin: germline.

ARUP Laboratories, Molecular Genetics and Genomics, ARUP Laboratories
Classification: Benign. Last evaluated: 2025-04-02. Review status: criteria provided, single submitter. Criteria: ARUP Molecular Germline Variant Investigation Process 2024. Collection method: clinical testing. Allele origin: germline.

GeneDx
Classification: Benign. Last evaluated: 2019-01-18. Review status: criteria provided, single submitter. Criteria: GeneDx Variant Classification Process June 2021. Collection method: clinical testing. Allele origin: germline. Affected: yes.

Genetic Services Laboratory, University of Chicago
Classification: Benign. Last evaluated: 2018-05-21. Review status: criteria provided, single submitter. Criteria: ACMG Guidelines, 2015. Collection method: clinical testing. Allele origin: germline. Affected: no.

Eurofins Ntd Llc (ga)
Classification: Benign. Last evaluated: 2014-06-18. Review status: criteria provided, single submitter. Criteria: EGL Classification Definitions 2015. Collection method: clinical testing. Allele origin: germline. Observed: 3 variant alleles, 3 heterozygotes.

PreventionGenetics, part of Exact Sciences
Classification: Likely benign. Review status: criteria provided, single submitter. Criteria: ACMG Guidelines, 2015. Collection method: clinical testing. Allele origin: germline.

Dr. Peter K. Rogan Lab, Western University
No classification provided (evidence only). Condition: Malignant tumor of urinary bladder. Review status: no classification provided. Collection method: in vitro. Allele origin: not applicable. Functional consequence: retained intron. Not counted in ClinVar's aggregate classification.

Dr. Peter K. Rogan Lab, Western University
No classification provided (evidence only). Condition: Clear cell carcinoma of kidney. Review status: no classification provided. Collection method: in vitro. Allele origin: not applicable. Functional consequence: retained intron. Not counted in ClinVar's aggregate classification.

Dr. Peter K. Rogan Lab, Western University
No classification provided (evidence only). Condition: Melanoma. Review status: no classification provided. Collection method: in vitro. Allele origin: not applicable. Functional consequence: skipped exon, retained intron. Not counted in ClinVar's aggregate classification.

Dr. Peter K. Rogan Lab, Western University
No classification provided (evidence only). Condition: Familial cancer of breast. Review status: no classification provided. Collection method: in vitro. Allele origin: not applicable. Functional consequence: retained intron. Not counted in ClinVar's aggregate classification.

Dr. Peter K. Rogan Lab, Western University
No classification provided (evidence only). Condition: Familial cancer of breast. Review status: no classification provided. Collection method: in vitro. Allele origin: not applicable. Functional consequence: retained intron. Not counted in ClinVar's aggregate classification.

Dr. Peter K. Rogan Lab, Western University
No classification provided (evidence only). Condition: Colon adenocarcinoma. Review status: no classification provided. Collection method: in vitro. Allele origin: not applicable. Functional consequence: retained intron. Not counted in ClinVar's aggregate classification.

Dr. Peter K. Rogan Lab, Western University
No classification provided (evidence only). Condition: Thyroid cancer, nonmedullary, 1. Review status: no classification provided. Collection method: in vitro. Allele origin: not applicable. Functional consequence: retained intron. Not counted in ClinVar's aggregate classification.

Dr. Peter K. Rogan Lab, Western University
No classification provided (evidence only). Condition: Uterine corpus endometrial carcinoma. Review status: no classification provided. Collection method: in vitro. Allele origin: not applicable. Functional consequence: retained intron. Not counted in ClinVar's aggregate classification.

Dr. Peter K. Rogan Lab, Western University
No classification provided (evidence only). Condition: Nonpapillary renal cell carcinoma. Review status: no classification provided. Collection method: in vitro. Allele origin: not applicable. Functional consequence: skipped exon, retained intron. Not counted in ClinVar's aggregate classification.

Dr. Peter K. Rogan Lab, Western University
No classification provided (evidence only). Condition: Ovarian serous cystadenocarcinoma. Review status: no classification provided. Collection method: in vitro. Allele origin: not applicable. Functional consequence: retained intron. Not counted in ClinVar's aggregate classification.

Dr. Peter K. Rogan Lab, Western University
No classification provided (evidence only). Condition: Ovarian serous cystadenocarcinoma. Review status: no classification provided. Collection method: in vitro. Allele origin: not applicable. Functional consequence: retained intron. Not counted in ClinVar's aggregate classification.

Dr. Peter K. Rogan Lab, Western University
No classification provided (evidence only). Condition: Gastric cancer. Review status: no classification provided. Collection method: in vitro. Allele origin: not applicable. Functional consequence: retained intron. Not counted in ClinVar's aggregate classification.

Dr. Peter K. Rogan Lab, Western University
No classification provided (evidence only). Condition: Gastric cancer. Review status: no classification provided. Collection method: in vitro. Allele origin: not applicable. Functional consequence: retained intron. Not counted in ClinVar's aggregate classification.

Dr. Peter K. Rogan Lab, Western University
No classification provided (evidence only). Condition: Gastric cancer. Review status: no classification provided. Collection method: in vitro. Allele origin: not applicable. Functional consequence: retained intron. Not counted in ClinVar's aggregate classification.

Dr. Peter K. Rogan Lab, Western University
No classification provided (evidence only). Condition: Gastric cancer. Review status: no classification provided. Collection method: in vitro. Allele origin: not applicable. Functional consequence: retained intron. Not counted in ClinVar's aggregate classification.

Dr. Peter K. Rogan Lab, Western University
No classification provided (evidence only). Condition: Malignant tumor of esophagus. Review status: no classification provided. Collection method: in vitro. Allele origin: not applicable. Functional consequence: skipped exon, retained intron. Not counted in ClinVar's aggregate classification.

Dr. Peter K. Rogan Lab, Western University
No classification provided (evidence only). Condition: Malignant tumor of esophagus. Review status: no classification provided. Collection method: in vitro. Allele origin: not applicable. Functional consequence: retained intron. Not counted in ClinVar's aggregate classification.